The following is an entry in ClinVar:

ClinVar aggregate classification (germline): Conflicting classifications of pathogenicity. Review status: criteria provided, conflicting classifications (1 of 4 stars). 4 submissions from 4 submitters: Uncertain significance (3); Likely benign (1). Last evaluated 2024-02-25.

Conditions:
Hereditary cancer-predisposing syndrome. Also called: Neoplastic Syndromes, Hereditary; Tumor predisposition; Hereditary Cancer Syndrome; Hereditary neoplastic syndrome. Identifiers: Orphanet 140162, MedGen C0027672, MeSH D009386, MONDO:0015356.
Hereditary breast ovarian cancer syndrome. Also called: BRCA1- and BRCA2-Associated Hereditary Breast and Ovarian Cancer; Hereditary breast and ovarian cancer syndrome; Hereditary breast and ovarian cancer; Hereditary breast and ovarian cancer syndrome (HBOC); Breast and ovarian cancer; Hereditary breast and/or ovarian cancer syndrome. Identifiers: Orphanet 145, MedGen C0677776, MeSH D061325, MONDO:0003582. Disease mechanism: loss of function.

Submissions (4):

Ambry Genetics
Classification: Uncertain significance for Hereditary cancer-predisposing syndrome. Last evaluated: 2024-02-25. Review status: criteria provided, single submitter. Criteria: Ambry Variant Classification Scheme 2023. Collection method: clinical testing. Allele origin: germline.
Comment: The p.P508H variant (also known as c.1523C>A), located in coding exon 9 of the BRCA1 gene, results from a C to A substitution at nucleotide position 1523. The proline at codon 508 is replaced by histidine, an amino acid with similar properties. This amino acid position is conserved. In addition, the in silico prediction for this alteration is inconclusive. Based on the available evidence, the clinical significance of this alteration remains unclear.

University of Washington Department of Laboratory Medicine, University of Washington
Classification: Likely benign for Hereditary cancer-predisposing syndrome. Last evaluated: 2023-03-23. Review status: criteria provided, single submitter. Criteria: Dines et al. (Genet Med. 2020). Collection method: curation. Allele origin: germline.
Comment: Missense variant in a coldspot region where missense variants are very unlikely to be pathogenic (PMID:31911673).

BRCA1 coldspot (exon 11 using historical exon numbering). Reclassification based on statistical prior probability

Labcorp Genetics (formerly Invitae), Labcorp
Classification: Uncertain significance for Hereditary breast ovarian cancer syndrome. Last evaluated: 2020-12-27. Review status: criteria provided, single submitter. Criteria: Invitae Variant Classification Sherloc (09022015). Collection method: clinical testing. Allele origin: germline.
Comment: In summary, the available evidence is currently insufficient to determine the role of this variant in disease. Therefore, it has been classified as a Variant of Uncertain Significance. Advanced modeling of protein sequence and biophysical properties (such as structural, functional, and spatial information, amino acid conservation, physicochemical variation, residue mobility, and thermodynamic stability) performed at Invitae indicates that this missense variant is not expected to disrupt BRCA1 protein function. This variant has not been reported in the literature in individuals with BRCA1-related conditions. ClinVar contains an entry for this variant (Variation ID: 919309). This variant is not present in population databases (ExAC no frequency). This sequence change replaces proline with histidine at codon 508 of the BRCA1 protein (p.Pro508His). The proline residue is weakly conserved and there is a moderate physicochemical difference between proline and histidine.

Color Diagnostics, LLC DBA Color Health
Classification: Uncertain significance for Hereditary cancer-predisposing syndrome. Last evaluated: 2019-06-15. Review status: criteria provided, single submitter. Criteria: ACMG Guidelines, 2015. Collection method: clinical testing. Allele origin: germline.

NM_007294.4(BRCA1):c.1523C>A (p.Pro508His)

Gene: BRCA1 (BRCA1 DNA repair associated; minus strand). Cytogenetic location: 17q21.31.
Variant type: single nucleotide variant.
Coding change: c.1523C>A on transcript NM_007294.4 (MANE Select); coding-DNA position 1523, C replaced by A.
Protein change: p.Pro508His; replaces proline 508 with histidine.
Molecular consequence: missense variant. On other transcripts: intron variant (137).
Genome position (GRCh38, 1-based): chr17:43,094,008, G>T on the plus strand (C>A on the coding strand, the complement: BRCA1 is on the minus strand). VCF-style: chr17-43094008-G-T. GRCh37 (hg19) VCF-style: chr17-41246025-G-T.
Other names: c.1400C>A, p.Pro467His (NM_001407666.1, NM_001407667.1, NM_001407674.1 and 19 more transcripts); c.787+736C>A (NM_007298.4, NM_001407978.1, NM_001407980.1 and 19 more transcripts); c.643+736C>A (NM_001408462.1, NM_001408470.1, NM_001408464.1 and 3 more transcripts); c.709+736C>A (NM_001408414.1, NM_001408411.1, NM_001408412.1 and 2 more transcripts); c.661+736C>A (NM_001408447.1, NM_001408446.1, NM_001408435.1 and 6 more transcripts); c.577+736C>A (NM_001408514.1, NM_001408485.1, NM_001408481.1 and 9 more transcripts); c.1397C>A, p.Pro466His (NM_001407672.1, NM_001407673.1, NM_001407670.1 and 11 more transcripts); c.1310C>A, p.Pro437His (NM_001407571.1, NM_001407853.1, NM_001407894.1 and 9 more transcripts); and 40 more; short protein forms P461H, P508H, P212H, P380H, P381H, P419H, P438H, P441H.
Identifiers: ClinVar variation 919309 (VCV000919309.14), dbSNP rs398122637, ClinGen allele CA10599000.
Genomic context (GRCh38, chr17:43,094,008, plus strand): 5'-GTCTTTTGAACTGCCAAATCTGCTTTCTTGATAAAATCCTCAGGATGAAGGCCTGATGTA[G>T]GTCTCCTTTTACGCTTTAATTTATTTGTGAGGGGACGCTCTTGTATTATCTGTGGCTCAG-3'
Protein context (NP_009225.1, residues 498-518): LTNKLKRKRR[Pro508His]TSGLHPEDFI